The following is an entry in ClinVar:

NM_015450.3(POT1):c.433T>G (p.Ser145Ala)

Gene: POT1 (protection of telomeres 1; minus strand). Cytogenetic location: 7q31.33.
Variant type: single nucleotide variant.
Coding change: c.433T>G on transcript NM_015450.3 (MANE Select); coding-DNA position 433, T replaced by G.
Protein change: p.Ser145Ala; replaces serine 145 with alanine.
Molecular consequence: missense variant. On other transcripts: non-coding transcript variant (3).
Genome position (GRCh38, 1-based): chr7:124,863,463, A>C on the plus strand (T>G on the coding strand, the complement: POT1 is on the minus strand). VCF-style: chr7-124863463-A-C. GRCh37 (hg19) VCF-style: chr7-124503517-A-C.
Other names: c.40T>G, p.Ser14Ala (NM_001042594.2); short protein forms S14A, S145A.
Identifiers: ClinVar variation 4673415 (VCV004673415.1).

ClinVar aggregate classification (germline): Uncertain significance (1 of 4 stars; one submission).

Conditions:
Hereditary cancer-predisposing syndrome. Also called: Neoplastic Syndromes, Hereditary; Tumor predisposition; Hereditary Cancer Syndrome; Hereditary neoplastic syndrome. Identifiers: Orphanet 140162, MedGen C0027672, MeSH D009386, MONDO:0015356.

Submission:

Ambry Genetics
Classification: Uncertain significance for Hereditary cancer-predisposing syndrome. Last evaluated: 2025-09-19. Review status: criteria provided, single submitter. Criteria: Ambry Variant Classification Scheme 2023. Collection method: clinical testing. Allele origin: germline.
Comment: The p.S145A variant (also known as c.433T>G), located in coding exon 4 of the POT1 gene, results from a T to G substitution at nucleotide position 433. The serine at codon 145 is replaced by alanine, an amino acid with similar properties. This amino acid position is conserved. In addition, this alteration is predicted to be tolerated by in silico analysis. Based on the available evidence, the clinical significance of this variant remains unclear.